The following is an entry in ClinVar:

ClinVar aggregate classification (germline): Uncertain significance (1 of 4 stars; one submission).

gnomAD v4.1: 2 of 1,614,160 alleles (0.00012%); highest among the groups gnomAD compares: East Asian, 0.0045%; no homozygotes.

Submission:

GeneDx
Classification: Uncertain significance. Last evaluated: 2022-05-02. Review status: criteria provided, single submitter. Criteria: GeneDx Variant Classification Process June 2021. Collection method: clinical testing. Allele origin: germline. Affected: yes.
Comment: Not observed at significant frequency in large population cohorts (gnomAD); In silico analysis supports that this missense variant does not alter protein structure/function; Has not been previously published as pathogenic or benign to our knowledge

NM_001273.5(CHD4):c.763G>A (p.Val255Met)

Gene: CHD4 (chromodomain helicase DNA binding protein 4; minus strand). Cytogenetic location: 12p13.31.
Variant type: single nucleotide variant.
Coding change: c.763G>A on transcript NM_001273.5 (MANE Select); coding-DNA position 763, G replaced by A.
Protein change: p.Val255Met; replaces valine 255 with methionine.
Molecular consequence: missense variant.
Genome position (GRCh38, 1-based): chr12:6,601,325, C>T on the plus strand (G>A on the coding strand, the complement: CHD4 is on the minus strand). VCF-style: chr12-6601325-C-T. GRCh37 (hg19) VCF-style: chr12-6710491-C-T.
Other names: c.742G>A, p.Val248Met (NM_001297553.2); c.763G>A, p.Val255Met (NM_001363606.2); short protein forms V248M, V255M.
Identifiers: ClinVar variation 1722853 (VCV001722853.2), dbSNP rs762951792, ClinGen allele CA383602672.